The following is an entry in ClinVar:

NM_002474.3(MYH11):c.3311C>G (p.Ala1104Gly)

Gene: MYH11 (myosin heavy chain 11; minus strand). Cytogenetic location: 16p13.11.
Variant type: single nucleotide variant.
Coding change: c.3311C>G on transcript NM_002474.3 (MANE Select); coding-DNA position 3311, C replaced by G.
Protein change: p.Ala1104Gly; replaces alanine 1104 with glycine.
Molecular consequence: missense variant.
Genome position (GRCh38, 1-based): chr16:15,735,561, G>C on the plus strand (C>G on the coding strand, the complement: MYH11 is on the minus strand). VCF-style: chr16-15735561-G-C. GRCh37 (hg19) VCF-style: chr16-15829418-G-C.
Other names: c.3311C>G (NM_002474.2); c.3332C>G, p.Ala1111Gly (NM_001040113.2, NM_001040114.2); c.3311C>G, p.Ala1104Gly (NM_022844.3); short protein forms A1104G, A1111G.
Identifiers: ClinVar variation 2919651 (VCV002919651.5), dbSNP rs886051759, ClinGen allele CA394862146.

ClinVar aggregate classification (germline): Uncertain significance. Review status: criteria provided, multiple submitters, no conflicts (2 of 4 stars). 3 submissions from 3 submitters: Uncertain significance (3). Last evaluated 2025-09-25.

Conditions:
Aortic aneurysm, familial thoracic 4 (AAT4). Also called: AORTIC ANEURYSM/AORTIC DISSECTION AND PATENT DUCTUS ARTERIOSUS. Identifiers: MedGen C1851504, MONDO:0007568, OMIM 132900.
Familial thoracic aortic aneurysm and aortic dissection (TAAD). Also called: Thoracic aortic aneurysms and dissections. Identifiers: Orphanet 91387, MedGen C4707243, MONDO:0019625.

gnomAD v4.1: 5 of 1,614,072 alleles (0.00031%); highest among the groups gnomAD compares: African/African-American, 0.0053%; no homozygotes.

Submissions (3):

Ambry Genetics
Classification: Uncertain significance for Familial thoracic aortic aneurysm and aortic dissection. Last evaluated: 2025-09-25. Review status: criteria provided, single submitter. Criteria: Ambry Variant Classification Scheme 2023. Collection method: clinical testing. Allele origin: germline.
Comment: The p.A1104G variant (also known as c.3311C>G), located in coding exon 25 of the MYH11 gene, results from a C to G substitution at nucleotide position 3311. The alanine at codon 1104 is replaced by glycine, an amino acid with similar properties. This amino acid position is conserved. In addition, this alteration is predicted to be tolerated by in silico analysis. Based on the available evidence, the clinical significance of this variant remains unclear.

Labcorp Genetics (formerly Invitae), Labcorp
Classification: Uncertain significance for Aortic aneurysm, familial thoracic 4. Last evaluated: 2024-01-01. Review status: criteria provided, single submitter. Criteria: Invitae Variant Classification Sherloc (09022015). Collection method: clinical testing. Allele origin: germline.
Comment: This sequence change replaces alanine, which is neutral and non-polar, with glycine, which is neutral and non-polar, at codon 1111 of the MYH11 protein (p.Ala1111Gly). This variant is present in population databases (no rsID available, gnomAD 0.01%). This variant has not been reported in the literature in individuals affected with MYH11-related conditions. Advanced modeling of protein sequence and biophysical properties (such as structural, functional, and spatial information, amino acid conservation, physicochemical variation, residue mobility, and thermodynamic stability) performed at Invitae indicates that this missense variant is not expected to disrupt MYH11 protein function with a negative predictive value of 95%. In summary, the available evidence is currently insufficient to determine the role of this variant in disease. Therefore, it has been classified as a Variant of Uncertain Significance.

All of Us Research Program, National Institutes of Health
Classification: Uncertain significance for Familial thoracic aortic aneurysm and aortic dissection. Last evaluated: 2023-02-24. Review status: criteria provided, single submitter. Criteria: ACMG Guidelines, 2015. Collection method: clinical testing. Allele origin: germline. Inheritance: Autosomal dominant inheritance. Observed: 1 variant allele, 1 heterozygote.
Comment: This missense variant replaces alanine with glycine at codon 1111 of the MYH11 protein. Computational prediction suggests that this variant may not impact protein structure and function (internally defined REVEL score threshold <= 0.5, PMID: 27666373). To our knowledge, functional studies have not been reported for this variant. This variant has not been reported in individuals affected with MYH11-related disorders in the literature. This variant has not been identified in the general population by the Genome Aggregation Database (gnomAD). The available evidence is insufficient to determine the role of this variant in disease conclusively. Therefore, this variant is classified as a Variant of Uncertain Significance.

This study involves interpretation of variants in research participants for the purpose of population health screening. Participant phenotype was not available at the time of variant classification. Additional details can be found in publication PMID: 35346344, PMCID: PMC8962531